The following is an entry in ClinVar:

ClinVar aggregate classification (germline): Uncertain significance (1 of 4 stars; one submission).

gnomAD v4.1: 2 of 1,614,036 alleles (0.00012%); highest among the groups gnomAD compares: Non-Finnish European, 0.00017%; no homozygotes.

Submission:

Labcorp Genetics (formerly Invitae), Labcorp
Classification: Uncertain significance. Last evaluated: 2024-02-24. Review status: criteria provided, single submitter. Criteria: Invitae Variant Classification Sherloc (09022015). Collection method: clinical testing. Allele origin: germline.
Comment: This sequence change replaces histidine, which is basic and polar, with leucine, which is neutral and non-polar, at codon 1764 of the HERC1 protein (p.His1764Leu). This variant is not present in population databases (gnomAD no frequency). This variant has not been reported in the literature in individuals affected with HERC1-related conditions. ClinVar contains an entry for this variant (Variation ID: 2000539). Advanced modeling of protein sequence and biophysical properties (such as structural, functional, and spatial information, amino acid conservation, physicochemical variation, residue mobility, and thermodynamic stability) performed at Invitae indicates that this missense variant is not expected to disrupt HERC1 protein function with a negative predictive value of 80%. In summary, the available evidence is currently insufficient to determine the role of this variant in disease. Therefore, it has been classified as a Variant of Uncertain Significance.

NM_003922.4(HERC1):c.5291A>T (p.His1764Leu)

Gene: HERC1 (HECT and RLD domain containing E3 ubiquitin protein ligase family member 1; minus strand). Cytogenetic location: 15q22.31.
Variant type: single nucleotide variant.
Coding change: c.5291A>T on transcript NM_003922.4 (MANE Select); coding-DNA position 5291, A replaced by T.
Protein change: p.His1764Leu; replaces histidine 1764 with leucine.
Molecular consequence: missense variant.
Genome position (GRCh38, 1-based): chr15:63,694,501, T>A on the plus strand (A>T on the coding strand, the complement: HERC1 is on the minus strand). VCF-style: chr15-63694501-T-A. GRCh37 (hg19) VCF-style: chr15-63986700-T-A.
Other names: short protein forms H1764L.
Identifiers: ClinVar variation 2000539 (VCV002000539.4), dbSNP rs1364156614, ClinGen allele CA392747924.